The following is an entry in ClinVar:

NM_000229.2(LCAT):c.110C>T (p.Thr37Met)

Genes: LCAT (lecithin-cholesterol acyltransferase; minus strand), SLC12A4 (solute carrier family 12 member 4; minus strand). Cytogenetic location: 16q22.1.
Variant type: single nucleotide variant.
Coding change: c.110C>T on transcript NM_000229.2 (MANE Select); coding-DNA position 110, C replaced by T.
Protein change: p.Thr37Met; replaces threonine 37 with methionine.
Molecular consequence: missense variant. On other transcripts: 3 prime UTR variant (5).
Genome position (GRCh38, 1-based): chr16:67,943,992, G>A on the plus strand (C>T on the coding strand, the complement: LCAT is on the minus strand). VCF-style: chr16-67943992-G-A. GRCh37 (hg19) VCF-style: chr16-67977895-G-A.
Other names: c.*848C>T (NM_001145961.2, NM_001145962.1, NM_001145963.2 and 2 more transcripts); short protein forms T37M.
Identifiers: ClinVar variation 1456665 (VCV001456665.12), dbSNP rs971887742, ClinGen allele CA283164291.
Genomic context (GRCh38, chr16:67,943,992, plus strand): 5'-CCTGGTGGGGGCTTACCGAGGATGACGGGCCGTGTGTGGTTACTGAGCTCAGCCTTGGGC[G>A]TGGTGTGCGGGGGGAAGAGCACATTGAGGAGCCAGAAGGGGGCGGCAGGAGGGAGCAGCA-3'
Protein context (NP_000220.1, residues 27-47): LLNVLFPPHT[Thr37Met]PKAELSNHTR

ClinVar aggregate classification (germline): Conflicting classifications of pathogenicity. Review status: criteria provided, conflicting classifications (1 of 4 stars). 4 submissions from 4 submitters: Pathogenic (1); Likely pathogenic (2); Uncertain significance (1). Last evaluated 2025-12-18.

Conditions:
Fish-eye disease (FED). Also called: ALPHA-LCAT DEFICIENCY; DYSLIPOPROTEINEMIC CORNEAL DYSTROPHY; LCATA DEFICIENCY. Identifiers: Orphanet 650, Orphanet 79292, MedGen C0342895, MONDO:0007620, OMIM 136120.
Norum disease. Also called: Familial lecithin cholesterol acyltransferase deficiency. Identifiers: Orphanet 79293, MedGen C0023195, MONDO:0009515, OMIM 245900.
Cardiovascular phenotype. Identifiers: MedGen CN230736.

Allele frequency attached by ClinVar (database versions not stated): gnomAD 0.00001; gnomAD exomes 0.00003; TOPMed 0.00005.

Submissions (4):

Genetics Department, Catlab
Classification: Likely pathogenic for Fish-eye disease. Last evaluated: 2025-12-18. Review status: criteria provided, single submitter. Criteria: ACMG Guidelines, 2015. Collection method: clinical testing. Allele origin: germline. Affected: yes.
Comment: The c.110C>T variant is a missense change of a threonine for a methionine at position 37 of the protein. The variant is absent from gnomAD v4.1 (PM2_moderate) and has been described in trans with another pathogenic variant or in homozygous state in several patients (PMID: 9741700, 24636183) (PM3_moderate). Moreover, it has been shown to segregate with disease in 2 affected members of a family (PMID: 24636183) (PP1_supporting). The variant has an associated REVEL score of 0.71 (PP3_supporting). With all the available evidence, the variant is classified as likely pathogenic.

Ambry Genetics
Classification: Uncertain significance for Cardiovascular phenotype. Last evaluated: 2025-11-20. Review status: criteria provided, single submitter. Criteria: Ambry Variant Classification Scheme 2023. Collection method: clinical testing. Allele origin: germline.
Comment: The p.T37M variant (also known as c.110C>T), located in coding exon 1 of the LCAT gene, results from a C to T substitution at nucleotide position 110. The threonine at codon 37 is replaced by methionine, an amino acid with similar properties. This variant has been identified in the homozygous state and/or in conjunction with other LCAT variant(s) in individual(s) with features consistent with LCAT deficiency (Argyropoulos G et al. J Lipid Res, 1998 Sep;39:1870-6; Viestenz A et al. Klin Monbl Augenheilkd, 2003 Jul;220:499-502; Miida T et al. Clin Chim Acta, 2004 May;343:201-8; Tietjen I et al. Biochim Biophys Acta, 2012 Mar;1821:416-24; Dimick SM et al. J Clin Lipidol 2014 Dec;8:223-30; Posadas-S&aacute;nchez R et al. Int J Mol Med, 2014 Jun;33:1570-6; Mehta R et al. Lipids Health Dis, 2021 Jul;20:70; Ambry internal data). This amino acid position is well conserved in available vertebrate species. In addition, this alteration is predicted to be deleterious by in silico analysis. Based on the available evidence, the clinical significance of this variant remains unclear.

Labcorp Genetics (formerly Invitae), Labcorp
Classification: Pathogenic. Last evaluated: 2024-11-19. Review status: criteria provided, single submitter. Criteria: Invitae Variant Classification Sherloc (09022015). Collection method: clinical testing. Allele origin: germline.
Comment: This sequence change replaces threonine, which is neutral and polar, with methionine, which is neutral and non-polar, at codon 37 of the LCAT protein (p.Thr37Met). This variant is present in population databases (no rsID available, gnomAD 0.006%). This missense change has been observed in individuals with high-density lipoprotein (HDL) deficiency and/or lecithin cholesterol acyltransferase (LCAT) deficiency (PMID: 9741700, 21875686, 24636183, 24715031, 30333156). It has also been observed to segregate with disease in related individuals. This variant is also known as Thr13Met. ClinVar contains an entry for this variant (Variation ID: 1456665). Invitae Evidence Modeling of protein sequence and biophysical properties (such as structural, functional, and spatial information, amino acid conservation, physicochemical variation, residue mobility, and thermodynamic stability) has been performed for this missense variant. However, the output from this modeling did not meet the statistical confidence thresholds required to predict the impact of this variant on LCAT protein function. For these reasons, this variant has been classified as Pathogenic.

Fulgent Genetics
Classification: Likely pathogenic for Fish-eye disease; Norum disease. Last evaluated: 2024-02-26. Review status: criteria provided, single submitter. Criteria: ACMG Guidelines, 2015. Collection method: clinical testing. Allele origin: germline.

Literature cited by the submitters: PubMed 9741700 (cited by 3 submitters); PubMed 24636183 (cited by 3 submitters); PubMed 12886512 (cited by Ambry Genetics); PubMed 15115696 (cited by Ambry Genetics); PubMed 21875686 (cited by Ambry Genetics and Labcorp Genetics (formerly Invitae), Labcorp); PubMed 24715031 (cited by Ambry Genetics and Labcorp Genetics (formerly Invitae), Labcorp); PubMed 34256778 (cited by Ambry Genetics); PubMed 30333156 (cited by Labcorp Genetics (formerly Invitae), Labcorp).